The following is an entry in ClinVar:

NM_001034853.2(RPGR):c.814G>T (p.Gly272Cys)

Gene: RPGR (retinitis pigmentosa GTPase regulator; minus strand). Cytogenetic location: Xp11.4.
Variant type: single nucleotide variant.
Coding change: c.814G>T on transcript NM_001034853.2 (MANE Select); coding-DNA position 814, G replaced by T.
Protein change: p.Gly272Cys; replaces glycine 272 with cysteine.
Molecular consequence: missense variant. On other transcripts: non-coding transcript variant (5).
Genome position (GRCh38, 1-based): chrX:38,304,755, C>A on the plus strand (G>T on the coding strand, the complement: RPGR is on the minus strand). VCF-style: chrX-38304755-C-A. GRCh37 (hg19) VCF-style: chrX-38164008-C-A.
Other names: c.814G>T, p.Gly272Cys (NM_000328.3, NM_001367246.1, NM_001367247.1 and 1 more transcripts); c.811G>T, p.Gly271Cys (NM_001367245.1, NM_001367249.1, NM_001367250.1); c.844G>T, p.Gly282Cys (NM_001367248.1); short protein forms G271C, G282C, G272C.
Identifiers: ClinVar variation 2138543 (VCV002138543.4), dbSNP rs2519847311, ClinGen allele CA412741630.

ClinVar aggregate classification (germline): Likely pathogenic (1 of 4 stars; one submission).

Conditions:
Primary ciliary dyskinesia. Also called: Ciliary dyskinesia. Identifiers: Orphanet 244, MedGen C0008780, MONDO:0016575, HP:0012265.

Submission:

Labcorp Genetics (formerly Invitae), Labcorp
Classification: Likely pathogenic for Primary ciliary dyskinesia. Last evaluated: 2022-11-29. Review status: criteria provided, single submitter. Criteria: Invitae Variant Classification Sherloc (09022015). Collection method: clinical testing. Allele origin: germline.
Comment: This sequence change replaces glycine, which is neutral and non-polar, with cysteine, which is neutral and slightly polar, at codon 272 of the RPGR protein (p.Gly272Cys). In summary, the currently available evidence indicates that the variant is pathogenic, but additional data are needed to prove that conclusively. Therefore, this variant has been classified as Likely Pathogenic. This variant disrupts the p.Gly272 amino acid residue in RPGR. Other variant(s) that disrupt this residue have been observed in individuals with RPGR-related conditions (PMID: 16969763, 29641573), which suggests that this may be a clinically significant amino acid residue. Advanced modeling of protein sequence and biophysical properties (such as structural, functional, and spatial information, amino acid conservation, physicochemical variation, residue mobility, and thermodynamic stability) performed at Invitae indicates that this missense variant is expected to disrupt RPGR protein function. This missense change has been observed in individual(s) with retinitis pigmentosa (PMID: 28127548). This variant is not present in population databases (gnomAD no frequency).

Literature cited by the submitters: PubMed 16969763; PubMed 29641573; PubMed 28127548.